The following is an entry in ClinVar:

NM_006908.5(RAC1):c.405T>C (p.Thr135=)

Gene: RAC1 (Rac family small GTPase 1; plus strand). Cytogenetic location: 7p22.1.
Variant type: single nucleotide variant.
Coding change: c.405T>C on transcript NM_006908.5 (MANE Select); coding-DNA position 405, T replaced by C.
Protein change: p.Thr135=; no amino-acid change (threonine 135 retained).
Molecular consequence: synonymous variant.
Genome position (GRCh38, 1-based): chr7:6,401,984, T>C. VCF-style: chr7-6401984-T-C. GRCh37 (hg19) VCF-style: chr7-6441615-T-C.
Other names: c.462T>C, p.Thr154= (NM_018890.4).
Identifiers: ClinVar variation 4874068 (VCV004874068.2).

ClinVar aggregate classification (germline): Likely benign (1 of 4 stars; one submission).

Submission:

CeGaT Center for Human Genetics Tuebingen
Classification: Likely benign. Last evaluated: 2026-04-01. Review status: criteria provided, single submitter. Criteria: CeGaT Center For Human Genetics Tuebingen Variant Classification Criteria Version 2. Collection method: clinical testing. Allele origin: germline. Affected: yes. Observed: 1 variant allele.
Comment: RAC1: PM2:Supporting, BP4, BP7